The following is an entry in ClinVar:

NM_005359.6(SMAD4):c.1193G>A (p.Trp398Ter)

Gene: SMAD4 (SMAD family member 4; plus strand). Cytogenetic location: 18q21.2.
Variant type: single nucleotide variant.
Coding change: c.1193G>A on transcript NM_005359.6 (MANE Select); coding-DNA position 1193, G replaced by A.
Protein change: p.Trp398Ter; replaces tryptophan 398 with a stop codon.
Molecular consequence: nonsense.
Genome position (GRCh38, 1-based): chr18:51,067,072, G>A. VCF-style: chr18-51067072-G-A. GRCh37 (hg19) VCF-style: chr18-48593442-G-A.
Other names: short protein forms W398*.
Identifiers: ClinVar variation 2736728 (VCV002736728.3), dbSNP rs377767357, ClinGen allele CA259229.

ClinVar aggregate classification (germline): Pathogenic (1 of 4 stars; one submission).

Conditions:
Juvenile polyposis syndrome (JPS). Identifiers: Orphanet 2929, MedGen C0345893, MONDO:0017380, OMIM 174900.

Submission:

Labcorp Genetics (formerly Invitae), Labcorp
Classification: Pathogenic for Juvenile polyposis syndrome. Last evaluated: 2023-07-31. Review status: criteria provided, single submitter. Criteria: Invitae Variant Classification Sherloc (09022015). Collection method: clinical testing. Allele origin: germline.
Comment: For these reasons, this variant has been classified as Pathogenic. This premature translational stop signal has been observed in individual(s) with juvenile polyposis syndrome (PMID: 18178612). This variant is not present in population databases (gnomAD no frequency). This sequence change creates a premature translational stop signal (p.Trp398*) in the SMAD4 gene. It is expected to result in an absent or disrupted protein product. Loss-of-function variants in SMAD4 are known to be pathogenic (PMID: 16152648, 16436638, 22810475).

Literature cited by the submitters: PubMed 18178612; PubMed 16152648; PubMed 16436638; PubMed 22810475.